The following is an entry in ClinVar:

NC_000019.9:g.(?_1465134)_(1497210_?)dup

Genes: APC2 (APC regulator of WNT signaling pathway 2; plus strand), C19orf25 (chromosome 19 open reading frame 25; minus strand), PCSK4 (proprotein convertase subtilisin/kexin type 4; minus strand), REEP6 (receptor accessory protein 6; plus strand). Cytogenetic location: 19p13.3.
Variant type: Duplication.
Identifiers: ClinVar variation 2424130 (VCV002424130.3).

ClinVar aggregate classification (germline): Uncertain significance (1 of 4 stars; one submission).

Submission:

Labcorp Genetics (formerly Invitae), Labcorp
Classification: Uncertain significance. Last evaluated: 2022-06-01. Review status: criteria provided, single submitter. Criteria: Invitae Variant Classification Sherloc (09022015). Collection method: clinical testing. Allele origin: germline.
Comment: A copy number gain of the genomic region encompassing the full coding sequence of the REEP6 gene has been identified. The boundaries of this event are unknown as they extend beyond the assayed region for this gene and therefore may encompass additional genes. As the precise location of this event is unknown, it may be in tandem or it may be located elsewhere in the genome. This variant has not been reported in the literature in individuals affected with REEP6-related conditions. In summary, the available evidence is currently insufficient to determine the role of this variant in disease. Therefore, it has been classified as a Variant of Uncertain Significance.